The following is an entry in ClinVar:

ClinVar aggregate classification (germline): Uncertain significance. Review status: criteria provided, multiple submitters, no conflicts (2 of 4 stars). 2 submissions from 2 submitters: Uncertain significance (2). Last evaluated 2025-06-23.

Conditions:
Ataxia-telangiectasia syndrome (AT). Also called: Ataxia-telangiectasia, complementation group D; AT, COMPLEMENTATION GROUP C; Ataxia telangiectasia (A-T); Cerebello-oculocutaneous telangiectasia; Immunodeficiency with ataxia telangiectasia; Ataxia-telangiectasia. Identifiers: Orphanet 100, MedGen C0004135, MONDO:0008840, OMIM 208900.
Hereditary cancer-predisposing syndrome. Also called: Neoplastic Syndromes, Hereditary; Hereditary neoplastic syndrome; Tumor predisposition; Hereditary Cancer Syndrome. Identifiers: Orphanet 140162, MedGen C0027672, MeSH D009386, MONDO:0015356.

Allele frequency attached by ClinVar (database versions not stated): gnomAD exomes below 0.00001.
gnomAD v4.1: 3 of 1,612,758 alleles (0.00019%); highest among the groups gnomAD compares: South Asian, 0.0011%; no homozygotes.

Submissions (2):

Labcorp Genetics (formerly Invitae), Labcorp
Classification: Uncertain significance for Ataxia-telangiectasia syndrome. Last evaluated: 2025-06-23. Review status: criteria provided, single submitter. Criteria: Invitae Variant Classification Sherloc (09022015). Collection method: clinical testing. Allele origin: germline.
Comment: This sequence change replaces aspartic acid, which is acidic and polar, with glutamic acid, which is acidic and polar, at codon 1103 of the ATM protein (p.Asp1103Glu). This variant is not present in population databases (gnomAD no frequency). This variant has not been reported in the literature in individuals affected with ATM-related conditions. ClinVar contains an entry for this variant (Variation ID: 843583). Invitae Evidence Modeling of protein sequence and biophysical properties (such as structural, functional, and spatial information, amino acid conservation, physicochemical variation, residue mobility, and thermodynamic stability) indicates that this missense variant is not expected to disrupt ATM protein function with a negative predictive value of 95%. In summary, the available evidence is currently insufficient to determine the role of this variant in disease. Therefore, it has been classified as a Variant of Uncertain Significance.

Ambry Genetics
Classification: Uncertain significance for Hereditary cancer-predisposing syndrome. Last evaluated: 2021-06-23. Review status: criteria provided, single submitter. Criteria: Ambry Variant Classification Scheme 2023. Collection method: clinical testing. Allele origin: germline.
Comment: The p.D1103E variant (also known as c.3309T>G), located in coding exon 22 of the ATM gene, results from a T to G substitution at nucleotide position 3309. The aspartic acid at codon 1103 is replaced by glutamic acid, an amino acid with highly similar properties. This amino acid position is poorly conserved in available vertebrate species. In addition, this alteration is predicted to be tolerated by in silico analysis. Since supporting evidence is limited at this time, the clinical significance of this alteration remains unclear.

NM_000051.4(ATM):c.3309T>G (p.Asp1103Glu)

Gene: ATM (ATM serine/threonine kinase; plus strand). Cytogenetic location: 11q22.3.
Variant type: single nucleotide variant.
Coding change: c.3309T>G on transcript NM_000051.4 (MANE Select); coding-DNA position 3309, T replaced by G.
Protein change: p.Asp1103Glu; replaces aspartic acid 1103 with glutamic acid.
Molecular consequence: missense variant.
Genome position (GRCh38, 1-based): chr11:108,279,515, T>G. VCF-style: chr11-108279515-T-G. GRCh37 (hg19) VCF-style: chr11-108150242-T-G.
Other names: c.3309T>G, p.Asp1103Glu (NM_001351834.2); short protein forms D1103E.
Identifiers: ClinVar variation 843583 (VCV000843583.8), dbSNP rs764102178, ClinGen allele CA382517398.